The following is an entry in ClinVar:

NM_213589.3(RAPH1):c.1608G>A (p.Ser536=)

Gene: RAPH1 (Ras association (RalGDS/AF-6) and pleckstrin homology domains 1; minus strand). Cytogenetic location: 2q33.2.
Variant type: single nucleotide variant.
Coding change: c.1608G>A on transcript NM_213589.3 (MANE Select); coding-DNA position 1608, G replaced by A.
Protein change: p.Ser536=; no amino-acid change (serine 536 retained).
Molecular consequence: synonymous variant.
Genome position (GRCh38, 1-based): chr2:203,447,984, C>T on the plus strand (G>A on the coding strand, the complement: RAPH1 is on the minus strand). VCF-style: chr2-203447984-C-T. GRCh37 (hg19) VCF-style: chr2-204312707-C-T.
Other names: c.1764G>A, p.Ser588= (NM_001329728.2, NM_203365.4).
Identifiers: ClinVar variation 3025010 (VCV003025010.22), dbSNP rs78291298, ClinGen allele CA2066385.

ClinVar aggregate classification (germline): Benign (1 of 4 stars; one submission).

Allele frequency attached by ClinVar (database versions not stated): gnomAD exomes 0.00035; ExAC 0.00102; 1000 Genomes Project 0.00339; gnomAD 0.00359; ESP Exome Variant Server 0.00361; 1000 Genomes Project 30x 0.00406; TOPMed 0.00408.
gnomAD v4.1: 1,101 of 1,613,850 alleles (0.068%); highest among the groups gnomAD compares: African/African-American, 1.2%; 8 homozygotes.

Submission:

CeGaT Center for Human Genetics Tuebingen
Classification: Benign. Last evaluated: 2024-02-01. Review status: criteria provided, single submitter. Criteria: CeGaT Center For Human Genetics Tuebingen Variant Classification Criteria Version 2. Collection method: clinical testing. Allele origin: germline. Affected: yes. Observed: 1 variant allele.
Comment: RAPH1: BP4, BP7, BS1, BS2